The following is an entry in ClinVar:

ClinVar aggregate classification (germline): Uncertain significance (1 of 4 stars; one submission).

Allele frequency attached by ClinVar (database versions not stated): ExAC 0.00001; gnomAD 0.00001; gnomAD exomes 0.00001; TOPMed 0.00001.

Submission:

Labcorp Genetics (formerly Invitae), Labcorp
Classification: Uncertain significance. Last evaluated: 2022-09-12. Review status: criteria provided, single submitter. Criteria: Invitae Variant Classification Sherloc (09022015). Collection method: clinical testing. Allele origin: germline.
Comment: In summary, the available evidence is currently insufficient to determine the role of this variant in disease. Therefore, it has been classified as a Variant of Uncertain Significance. Variants that disrupt the consensus splice site are a relatively common cause of aberrant splicing (PMID: 17576681, 9536098). Algorithms developed to predict the effect of sequence changes on RNA splicing suggest that this variant may disrupt the consensus splice site. ClinVar contains an entry for this variant (Variation ID: 1353697). This variant has not been reported in the literature in individuals affected with MMP9-related conditions. This variant is present in population databases (rs773948750, gnomAD 0.0009%). This sequence change falls in intron 3 of the MMP9 gene. It does not directly change the encoded amino acid sequence of the MMP9 protein. It affects a nucleotide within the consensus splice site.

Literature cited by the submitters: PubMed 17576681; PubMed 9536098.

NM_004994.3(MMP9):c.520+3G>A

Gene: MMP9 (matrix metallopeptidase 9; plus strand). Cytogenetic location: 20q13.12.
Variant type: single nucleotide variant.
Coding change: c.520+3G>A on transcript NM_004994.3 (MANE Select); 3 bases into the intron after coding-DNA position 520, G replaced by A.
Molecular consequence: intron variant.
Genome position (GRCh38, 1-based): chr20:46,010,634, G>A. VCF-style: chr20-46010634-G-A. GRCh37 (hg19) VCF-style: chr20-44639273-G-A.
Identifiers: ClinVar variation 1353697 (VCV001353697.5), dbSNP rs773948750, ClinGen allele CA9886408.